The following is an entry in ClinVar:

NM_004484.4(GPC3):c.885C>A (p.Tyr295Ter)

Gene: GPC3 (glypican 3; minus strand). Cytogenetic location: Xq26.2.
Variant type: single nucleotide variant.
Coding change: c.885C>A on transcript NM_004484.4 (MANE Select); coding-DNA position 885, C replaced by A.
Protein change: p.Tyr295Ter; replaces tyrosine 295 with a stop codon.
Molecular consequence: nonsense.
Genome position (GRCh38, 1-based): chrX:133,753,629, G>T on the plus strand (C>A on the coding strand, the complement: GPC3 is on the minus strand). VCF-style: chrX-133753629-G-T. GRCh37 (hg19) VCF-style: chrX-132887656-G-T.
Other names: c.885C>A, p.Tyr295Ter (NM_001164617.2); c.837C>A, p.Tyr279Ter (NM_001164618.2); c.723C>A, p.Tyr241Ter (NM_001164619.2); short protein forms Y279*, Y295*, Y241*.
Identifiers: ClinVar variation 1433596 (VCV001433596.7), dbSNP rs2124479966, ClinGen allele CA414705404.

ClinVar aggregate classification (germline): Pathogenic (1 of 4 stars; one submission).

Conditions:
Wilms tumor 1 (WT1). Also called: Wilms tumor, somatic. Identifiers: Orphanet 654, MedGen CN033288, MONDO:0008679, OMIM 194070.

Submissions (2):

Labcorp Genetics (formerly Invitae), Labcorp
Classification: Pathogenic for Wilms tumor 1. Last evaluated: 2021-01-08. Review status: criteria provided, single submitter. Criteria: Invitae Variant Classification Sherloc (09022015). Collection method: clinical testing. Allele origin: germline.
Comment: For these reasons, this variant has been classified as Pathogenic. Algorithms developed to predict the effect of sequence changes on RNA splicing suggest that this variant may create or strengthen a splice site, but this prediction has not been confirmed by published transcriptional studies. This variant has not been reported in the literature in individuals with GPC3-related conditions. This variant is not present in population databases (ExAC no frequency). This sequence change creates a premature translational stop signal (p.Tyr295*) in the GPC3 gene. It is expected to result in an absent or disrupted protein product. Loss-of-function variants in GPC3 are known to be pathogenic (PMID: 10402475, 12713262, 17603795).

Dr. Peter K. Rogan Lab, Western University
No classification provided (evidence only). Condition: Nonpapillary renal cell carcinoma. Review status: no classification provided. Collection method: in vitro. Allele origin: not applicable. Functional consequence: retained intron. Not counted in ClinVar's aggregate classification.

Literature cited by the submitters: PubMed 10402475 (cited by Labcorp Genetics (formerly Invitae), Labcorp); PubMed 12713262 (cited by Labcorp Genetics (formerly Invitae), Labcorp); PubMed 17603795 (cited by Labcorp Genetics (formerly Invitae), Labcorp).